The following is an entry in ClinVar:

ClinVar aggregate classification (germline): Uncertain significance. Review status: criteria provided, multiple submitters, no conflicts (2 of 4 stars). 3 submissions from 3 submitters: Uncertain significance (3). Last evaluated 2025-02-28.

Conditions:
Baller-Gerold syndrome (BGS). Also called: CRANIOSYNOSTOSIS WITH RADIAL DEFECTS. Identifiers: Orphanet 1225, MedGen C0265308, MONDO:0009039, OMIM 218600.
Inborn genetic diseases. Identifiers: MedGen C0950123, MeSH D030342.

Allele frequency attached by ClinVar (database versions not stated): gnomAD exomes below 0.00001.
gnomAD v4.1: 4 of 1,565,528 alleles (0.00026%); highest among the groups gnomAD compares: East Asian, 0.0024%; no homozygotes.

Submissions (3):

Ambry Genetics
Classification: Uncertain significance for Inborn genetic diseases. Last evaluated: 2025-02-28. Review status: criteria provided, single submitter. Criteria: Ambry Variant Classification Scheme 2023. Collection method: clinical testing. Allele origin: germline.
Comment: The p.A668T variant (also known as c.2002G>A), located in coding exon 12 of the RECQL4 gene, results from a G to A substitution at nucleotide position 2002. The alanine at codon 668 is replaced by threonine, an amino acid with similar properties. This amino acid position is conserved. In addition, this alteration is predicted to be tolerated by in silico analysis. Based on the available evidence, the clinical significance of this variant remains unclear.

Labcorp Genetics (formerly Invitae), Labcorp
Classification: Uncertain significance for Baller-Gerold syndrome. Last evaluated: 2025-02-23. Review status: criteria provided, single submitter. Criteria: Invitae Variant Classification Sherloc (09022015). Collection method: clinical testing. Allele origin: germline.
Comment: This sequence change replaces alanine, which is neutral and non-polar, with threonine, which is neutral and polar, at codon 668 of the RECQL4 protein (p.Ala668Thr). This variant is not present in population databases (gnomAD no frequency). This variant has not been reported in the literature in individuals affected with RECQL4-related conditions. ClinVar contains an entry for this variant (Variation ID: 1985239). Invitae Evidence Modeling of protein sequence and biophysical properties (such as structural, functional, and spatial information, amino acid conservation, physicochemical variation, residue mobility, and thermodynamic stability) indicates that this missense variant is not expected to disrupt RECQL4 protein function with a negative predictive value of 80%. In summary, the available evidence is currently insufficient to determine the role of this variant in disease. Therefore, it has been classified as a Variant of Uncertain Significance.

CeGaT Center for Human Genetics Tuebingen
Classification: Uncertain significance. Last evaluated: 2023-11-01. Review status: criteria provided, single submitter. Criteria: CeGaT Center For Human Genetics Tuebingen Variant Classification Criteria Version 2. Collection method: clinical testing. Allele origin: germline. Affected: yes. Observed: 1 variant allele.
Comment: RECQL4: PM2, BP4

NM_004260.4(RECQL4):c.2002G>A (p.Ala668Thr)

Gene: RECQL4 (RecQ like helicase 4; minus strand). Cytogenetic location: 8q24.3.
Variant type: single nucleotide variant.
Coding change: c.2002G>A on transcript NM_004260.4 (MANE Select); coding-DNA position 2002, G replaced by A.
Protein change: p.Ala668Thr; replaces alanine 668 with threonine.
Molecular consequence: missense variant.
Genome position (GRCh38, 1-based): chr8:144,513,984, C>T on the plus strand (G>A on the coding strand, the complement: RECQL4 is on the minus strand). VCF-style: chr8-144513984-C-T. GRCh37 (hg19) VCF-style: chr8-145739368-C-T.
Other names: c.1906G>A, p.Ala636Thr (NM_001413017.1, NM_001413020.1); c.2002G>A, p.Ala668Thr (NM_001413018.1, NM_001413019.1, NM_001413036.1); c.931G>A, p.Ala311Thr (NM_001413021.1, NM_001413022.1, NM_001413023.1 and 6 more transcripts); c.1873G>A, p.Ala625Thr (NM_001413025.1); c.865G>A, p.Ala289Thr (NM_001413027.1, NM_001413030.1, NM_001413041.1 and 1 more transcripts); c.1651G>A, p.Ala551Thr (NM_001413029.1); c.901G>A, p.Ala301Thr (NM_001413042.1); c.535G>A, p.Ala179Thr (NM_001413043.1); and 5 more; short protein forms A179T, A267T, A289T, A624T, A245T, A301T, A551T, A658T.
Identifiers: ClinVar variation 1985239 (VCV001985239.28), dbSNP rs1827774588, ClinGen allele CA372680329.